The following is an entry in ClinVar:

ClinVar aggregate classification (germline): Uncertain significance (1 of 4 stars; one submission).

Conditions:
Hereditary cancer-predisposing syndrome. Also called: Neoplastic Syndromes, Hereditary; Tumor predisposition; Hereditary Cancer Syndrome; Hereditary neoplastic syndrome. Identifiers: Orphanet 140162, MedGen C0027672, MeSH D009386, MONDO:0015356.

Submission:

Ambry Genetics
Classification: Uncertain significance for Hereditary cancer-predisposing syndrome. Last evaluated: 2015-07-24. Review status: criteria provided, single submitter. Criteria: Ambry Variant Classification Scheme 2023. Collection method: clinical testing. Allele origin: germline.
Comment: The p.S285C variant (also known as c.853A>T), located in coding exon 4 of the MSH6 gene, results from an A to T substitution at nucleotide position 853. The serine at codon 285 is replaced by cysteine, an amino acid with dissimilar properties. This amino acid position is well conserved in available vertebrate species. In addition, the in silico prediction for this alteration is inconclusive. Since supporting evidence is limited at this time, the clinical significance of this alteration remains unclear.

NM_000179.3(MSH6):c.853A>T (p.Ser285Cys)

Gene: MSH6 (mutS homolog 6; plus strand). Cytogenetic location: 2p16.3.
Variant type: single nucleotide variant.
Coding change: c.853A>T on transcript NM_000179.3 (MANE Select); coding-DNA position 853, A replaced by T.
Protein change: p.Ser285Cys; replaces serine 285 with cysteine.
Molecular consequence: missense variant. On other transcripts: 5 prime UTR variant (2).
Genome position (GRCh38, 1-based): chr2:47,798,836, A>T. VCF-style: chr2-47798836-A-T. GRCh37 (hg19) VCF-style: chr2-48025975-A-T.
Other names: c.463A>T, p.Ser155Cys (NM_001281492.2); c.-54A>T (NM_001281493.2, NM_001281494.2); short protein forms S285C, S155C.
Identifiers: ClinVar variation 233113 (VCV000233113.5), dbSNP rs876660204, ClinGen allele CA10578047.